The following is an entry in ClinVar:

NM_024685.4(BBS10):c.254C>T (p.Thr85Ile)

Gene: BBS10 (Bardet-Biedl syndrome 10; minus strand). Cytogenetic location: 12q21.2.
Variant type: single nucleotide variant.
Coding change: c.254C>T on transcript NM_024685.4 (MANE Select); coding-DNA position 254, C replaced by T.
Protein change: p.Thr85Ile; replaces threonine 85 with isoleucine.
Molecular consequence: missense variant.
Genome position (GRCh38, 1-based): chr12:76,347,731, G>A on the plus strand (C>T on the coding strand, the complement: BBS10 is on the minus strand). VCF-style: chr12-76347731-G-A. GRCh37 (hg19) VCF-style: chr12-76741511-G-A.
Other names: short protein forms T85I.
Identifiers: ClinVar variation 4986174 (VCV004986174.1).

ClinVar aggregate classification (germline): Uncertain significance (1 of 4 stars; one submission).

Conditions:
BBS10-related disorder. Also called: BBS10-related condition.

gnomAD v4.1: 2 of 1,607,808 alleles (0.00012%); highest among the groups gnomAD compares: Non-Finnish European, 0.00017%; no homozygotes.

Submission:

PreventionGenetics, part of Exact Sciences
Classification: Uncertain significance for BBS10-related condition. Last evaluated: 2025-09-26. Review status: criteria provided, single submitter. Criteria: ACMG Guidelines, 2015. Collection method: clinical testing. Allele origin: germline.
Comment: The BBS10 c.254C>T variant is predicted to result in the amino acid substitution p.Thr85Ile. To our knowledge, this variant has not been reported in the literature or in a large population database (gnomAD), indicating this variant is rare. At this time, the clinical significance of this variant is uncertain due to the absence of conclusive functional and genetic evidence.